The following is an entry in ClinVar:

NM_001136191.3(KANK2):c.508C>T (p.Arg170Trp)

Gene: KANK2 (KN motif and ankyrin repeat domains 2; minus strand). Cytogenetic location: 19p13.2.
Variant type: single nucleotide variant.
Coding change: c.508C>T on transcript NM_001136191.3 (MANE Select); coding-DNA position 508, C replaced by T.
Protein change: p.Arg170Trp; replaces arginine 170 with tryptophan.
Molecular consequence: missense variant.
Genome position (GRCh38, 1-based): chr19:11,193,572, G>A on the plus strand (C>T on the coding strand, the complement: KANK2 is on the minus strand). VCF-style: chr19-11193572-G-A. GRCh37 (hg19) VCF-style: chr19-11304248-G-A.
Other names: c.508C>T, p.Arg170Trp (NM_001329451.2, NM_001379548.1, NM_001379549.1 and 15 more transcripts); short protein forms R170W.
Identifiers: ClinVar variation 2183901 (VCV002183901.4), dbSNP rs762533572, ClinGen allele CA9206046.
Genomic context (GRCh38, chr19:11,193,572, plus strand): 5'-CCCGCACGTGGGCCAGGTGCCCGGCACTGGGAGGCACCGGTGTGGACAGTCCTGAACTCC[G>A]TGGTGTCGGGGGTGGCAACCCCACGCCCACCAGGGAGGCTGTCGAGCCGGCCGCACTGGG-3'
Protein context (NP_001129663.1, residues 160-180): VGVGLPPPTP[Arg170Trp]SSGLSTPVPP

ClinVar aggregate classification (germline): Uncertain significance (1 of 4 stars; one submission).

Allele frequency attached by ClinVar (database versions not stated): gnomAD 0.00002; gnomAD exomes 0.00005; TOPMed 0.00009; ExAC 0.00012.
gnomAD v4.1: 67 of 1,590,982 alleles (0.0042%); highest among the groups gnomAD compares: Admixed American, 0.083%; no homozygotes.

Submission:

Labcorp Genetics (formerly Invitae), Labcorp
Classification: Uncertain significance. Last evaluated: 2025-12-17. Review status: criteria provided, single submitter. Criteria: Invitae Variant Classification Sherloc (09022015). Collection method: clinical testing. Allele origin: germline.
Comment: This sequence change replaces arginine, which is basic and polar, with tryptophan, which is neutral and slightly polar, at codon 170 of the KANK2 protein (p.Arg170Trp). This variant is present in population databases (rs762533572, gnomAD 0.1%), and has an allele count higher than expected for a pathogenic variant. This variant has not been reported in the literature in individuals affected with KANK2-related conditions. ClinVar contains an entry for this variant (Variation ID: 2183901). An algorithm developed to predict the effect of missense changes on protein structure and function (PolyPhen-2) suggests that this variant is likely to be disruptive. In summary, the available evidence is currently insufficient to determine the role of this variant in disease. Therefore, it has been classified as a Variant of Uncertain Significance.